The following is an entry in ClinVar:

NM_001035.3(RYR2):c.274C>T (p.Gln92Ter)

Gene: RYR2 (ryanodine receptor 2; plus strand). Cytogenetic location: 1q43.
Variant type: single nucleotide variant.
Coding change: c.274C>T on transcript NM_001035.3 (MANE Select); coding-DNA position 274, C replaced by T.
Protein change: p.Gln92Ter; replaces glutamine 92 with a stop codon.
Molecular consequence: nonsense.
Genome position (GRCh38, 1-based): chr1:237,355,965, C>T. VCF-style: chr1-237355965-C-T. GRCh37 (hg19) VCF-style: chr1-237519265-C-T.
Other names: short protein forms Q92*.
Identifiers: ClinVar variation 1436287 (VCV001436287.7), dbSNP rs2149691837, ClinGen allele CA345654767.

ClinVar aggregate classification (germline): Uncertain significance (1 of 4 stars; one submission).

Conditions:
Catecholaminergic polymorphic ventricular tachycardia 1. Also called: VENTRICULAR TACHYCARDIA, CATECHOLAMINERGIC POLYMORPHIC, 1, WITH OR WITHOUT ATRIAL DYSFUNCTION AND/OR DILATED CARDIOMYOPATHY; RYR2-Related Catecholaminergic Polymorphic Ventricular Tachycardia; VENTRICULAR TACHYCARDIA, STRESS-INDUCED POLYMORPHIC 1. Identifiers: Orphanet 3286, MedGen C1631597, MONDO:0011484, OMIM 604772.

Submission:

Labcorp Genetics (formerly Invitae), Labcorp
Classification: Uncertain significance for Catecholaminergic polymorphic ventricular tachycardia 1. Last evaluated: 2021-08-02. Review status: criteria provided, single submitter. Criteria: Invitae Variant Classification Sherloc (09022015). Collection method: clinical testing. Allele origin: germline.
Comment: This sequence change creates a premature translational stop signal (p.Gln92*) in the RYR2 gene. It is expected to result in an absent or disrupted protein product. However, the current clinical and genetic evidence is not sufficient to establish whether loss-of-function variants in RYR2 cause disease. This variant is not present in population databases (ExAC no frequency). This variant has not been reported in the literature in individuals affected with RYR2-related conditions. Algorithms developed to predict the effect of sequence changes on RNA splicing suggest that this variant may create or strengthen a splice site. In summary, the available evidence is currently insufficient to determine the role of this variant in disease. Therefore, it has been classified as a Variant of Uncertain Significance.